The following is an entry in ClinVar:

ClinVar aggregate classification (germline): Benign (1 of 4 stars; one submission).

Allele frequency attached by ClinVar (database versions not stated): 1000 Genomes Project 0.00100; 1000 Genomes Project 30x 0.00109; TOPMed 0.00133.
gnomAD v4.1: 246 of 398,606 alleles (0.062%); highest among the groups gnomAD compares: African/African-American, 0.48%; no homozygotes.

Submission:

CeGaT Center for Human Genetics Tuebingen
Classification: Benign. Last evaluated: 2024-07-01. Review status: criteria provided, single submitter. Criteria: CeGaT Center For Human Genetics Tuebingen Variant Classification Criteria Version 2. Collection method: clinical testing. Allele origin: germline. Affected: yes. Observed: 1 variant allele.
Comment: KCNQ1OT1: BS1, BS2

NM_000218.3(KCNQ1):c.1394-10394C>T

Genes: KCNQ1 (potassium voltage-gated channel subfamily Q member 1; plus strand), KCNQ1OT1 (KCNQ1 opposite strand/antisense transcript 1; minus strand). Cytogenetic location: 11p15.5.
Variant type: single nucleotide variant.
Coding change: c.1394-10394C>T on transcript NM_000218.3 (MANE Select); 10394 bases into the intron before coding-DNA position 1394, C replaced by T.
Molecular consequence: intron variant. On other transcripts: non-coding transcript variant (1).
Genome position (GRCh38, 1-based): chr11:2,651,567, C>T. VCF-style: chr11-2651567-C-T. GRCh37 (hg19) VCF-style: chr11-2672797-C-T.
Other names: c.1124-10394C>T (NM_001406837.1); c.1298-10394C>T (NM_001406836.1); c.854-10394C>T (NM_001406838.1); c.1013-10394C>T (NM_181798.2).
Identifiers: ClinVar variation 3250905 (VCV003250905.18), dbSNP rs529617850.
Genomic context (GRCh38, chr11:2,651,567, plus strand): 5'-GAACGTGAATGCTAAGGGCATATGAGTGTGTCCCTGAGAACATGGATATTGTGTTCTTTA[C>T]CTCCATGTCTCCAGTGCCTGCCACATAGCAGGTCCTCCAAGATTTGCTGATCTGCCTGCC-3'